The following is an entry in ClinVar:

ClinVar aggregate classification (germline): Benign/Likely benign. Review status: criteria provided, multiple submitters, no conflicts (2 of 4 stars). 5 submissions from 5 submitters: Benign (4); Likely benign (1). Last evaluated 2026-02-03.

Allele frequency attached by ClinVar (database versions not stated): 1000 Genomes Project 0.23403; 1000 Genomes Project 30x 0.23470; ESP Exome Variant Server 0.25188; TOPMed 0.25980.
gnomAD v4.1: 514,534 of 1,613,884 alleles (32%); highest among the groups gnomAD compares: Admixed American, 38%; 85,531 homozygotes.

Submissions (5):

Labcorp Genetics (formerly Invitae), Labcorp
Classification: Benign. Last evaluated: 2026-02-03. Review status: criteria provided, single submitter. Criteria: Invitae Variant Classification Sherloc (09022015). Collection method: clinical testing. Allele origin: germline.

Blueprint Genetics
Classification: Likely benign. Last evaluated: 2024-11-27. Review status: criteria provided, single submitter. Criteria: ACMG Guidelines, 2015. Collection method: clinical testing. Allele origin: germline.

Mayo Clinic Laboratories, Mayo Clinic
Classification: Benign. Last evaluated: 2022-09-30. Review status: criteria provided, single submitter. Criteria: ACMG Guidelines, 2015. Collection method: clinical testing. Allele origin: germline. Observed: 98 variant alleles.
Comment: BA1

GeneDx
Classification: Benign. Last evaluated: 2019-04-19. Review status: criteria provided, single submitter. Criteria: GeneDx Variant Classification Process June 2021. Collection method: clinical testing. Allele origin: germline. Affected: yes.
Comment: This variant is associated with the following publications: (PMID: 30389748)

Breakthrough Genomics
Classification: Benign. Review status: criteria provided, single submitter. Criteria: ACMG Guidelines, 2015. Collection method: not provided. Allele origin: germline. Inheritance: Autosomal recessive inheritance. Affected: yes.

NM_014994.3(MAPKBP1):c.3701G>C (p.Arg1234Pro)

Gene: MAPKBP1 (mitogen-activated protein kinase binding protein 1; plus strand). Cytogenetic location: 15q15.1.
Variant type: single nucleotide variant.
Coding change: c.3701G>C on transcript NM_014994.3 (MANE Select); coding-DNA position 3701, G replaced by C.
Protein change: p.Arg1234Pro; replaces arginine 1234 with proline.
Molecular consequence: missense variant. On other transcripts: non-coding transcript variant (2), intron variant (1).
Genome position (GRCh38, 1-based): chr15:41,823,549, G>C. VCF-style: chr15-41823549-G-C. GRCh37 (hg19) VCF-style: chr15-42115747-G-C.
Other names: p.Arg1240Pro; c.3719G>C, p.Arg1240Pro (NM_001128608.2); c.3382+543G>C (NM_001265611.2); short protein forms R1234P, R1240P.
Identifiers: ClinVar variation 1248343 (VCV001248343.13), dbSNP rs3959569, ClinGen allele CA7498646.
Genomic context (GRCh38, chr15:41,823,549, plus strand): 5'-TGCTGTCTCGGGAGATCGAAGCTCAGGATGGTCTGGGCTCCCTGCCCCCAGCTGATGGCC[G>C]TCCGTCTCGGCCTCACTCCTATCAGAACCCCACCACCAGTTCCATGGCCAAGATATCCCG-3'
Protein context (NP_055809.2, residues 1224-1244): GLGSLPPADG[Arg1234Pro]PSRPHSYQNP